The following is an entry in ClinVar:

NM_139248.3(LIPH):c.306C>T (p.Asn102=)

Gene: LIPH (lipase H; minus strand). Cytogenetic location: 3q27.2.
Variant type: single nucleotide variant.
Coding change: c.306C>T on transcript NM_139248.3 (MANE Select); coding-DNA position 306, C replaced by T.
Protein change: p.Asn102=; no amino-acid change (asparagine 102 retained).
Molecular consequence: synonymous variant.
Genome position (GRCh38, 1-based): chr3:185,534,876, G>A on the plus strand (C>T on the coding strand, the complement: LIPH is on the minus strand). VCF-style: chr3-185534876-G-A. GRCh37 (hg19) VCF-style: chr3-185252664-G-A.
Identifiers: ClinVar variation 2654330 (VCV002654330.27), dbSNP rs141937955, ClinGen allele CA2740669.
Genomic context (GRCh38, chr3:185,534,876, plus strand): 5'-ACTAGAGGCATGGGTATATATTAAAGTTGTAGCTCCTCGATTCCAATCAACAACAACTAC[G>A]TTCATGTCTTCAACAGAGAGCAAACCCTTTACTAAGTCATCCATCCAAACAGGAGGGGAG-3'
Protein context (NP_640341.1, residues 92-112): VKGLLSVEDM[Asn102=]VVVVDWNRGA

ClinVar aggregate classification (germline): Likely benign. Review status: criteria provided, multiple submitters, no conflicts (2 of 4 stars). 2 submissions from 2 submitters: Likely benign (2). Last evaluated 2023-05-03.

Allele frequency attached by ClinVar (database versions not stated): ExAC 0.00020; 1000 Genomes Project 30x 0.00031; 1000 Genomes Project 0.00040; gnomAD 0.00040; ESP Exome Variant Server 0.00046; TOPMed 0.00052.
gnomAD v4.1: 213 of 1,614,172 alleles (0.013%); highest among the groups gnomAD compares: African/African-American, 0.12%; no homozygotes.

Submissions (2):

Labcorp Genetics (formerly Invitae), Labcorp
Classification: Likely benign. Last evaluated: 2023-05-03. Review status: criteria provided, single submitter. Criteria: Invitae Variant Classification Sherloc (09022015). Collection method: clinical testing. Allele origin: germline.

CeGaT Center for Human Genetics Tuebingen
Classification: Likely benign. Last evaluated: 2022-03-01. Review status: criteria provided, single submitter. Criteria: CeGaT Center For Human Genetics Tuebingen Variant Classification Criteria Version 2. Collection method: clinical testing. Allele origin: germline. Affected: yes. Observed: 1 variant allele.
Comment: LIPH: BP4, BP7